The following is an entry in ClinVar:

ClinVar aggregate classification (germline): Likely benign. Review status: criteria provided, multiple submitters, no conflicts (2 of 4 stars). 3 submissions from 3 submitters: Likely benign (3). Last evaluated 2026-02-22.

Conditions:
MYO15A-related disorder. Also called: MYO15A-related condition.

Allele frequency attached by ClinVar (database versions not stated): gnomAD exomes 0.00011 and 0.00020; 1000 Genomes Project 30x 0.00016; ExAC 0.00016; gnomAD 0.00016 and 0.00019; TOPMed 0.00019; 1000 Genomes Project 0.00020.
gnomAD v4.1: 191 of 1,613,810 alleles (0.012%); highest among the groups gnomAD compares: South Asian, 0.12%; no homozygotes.

Submissions (3):

PreventionGenetics, part of Exact Sciences
Classification: Likely benign for MYO15A-related condition. Last evaluated: 2026-02-22. Review status: criteria provided, single submitter. Criteria: ACMG Guidelines, 2015. Collection method: clinical testing. Allele origin: germline.
Comment: This variant is classified as likely benign based on ACMG/AMP sequence variant interpretation guidelines (Richards et al. 2015 PMID: 25741868, with internal and published modifications).

Labcorp Genetics (formerly Invitae), Labcorp
Classification: Likely benign. Last evaluated: 2025-04-12. Review status: criteria provided, single submitter. Criteria: Invitae Variant Classification Sherloc (09022015). Collection method: clinical testing. Allele origin: germline.

GeneDx
Classification: Likely benign. Last evaluated: 2021-02-02. Review status: criteria provided, single submitter. Criteria: GeneDx Variant Classification Process June 2021. Collection method: clinical testing. Allele origin: germline. Affected: yes.

NM_016239.4(MYO15A):c.10083-8G>A

Gene: MYO15A (myosin XVA; plus strand). Cytogenetic location: 17p11.2.
Variant type: single nucleotide variant.
Coding change: c.10083-8G>A on transcript NM_016239.4 (MANE Select); 8 bases into the intron before coding-DNA position 10083, G replaced by A.
Molecular consequence: intron variant.
Genome position (GRCh38, 1-based): chr17:18,171,630, G>A. VCF-style: chr17-18171630-G-A. GRCh37 (hg19) VCF-style: chr17-18074944-G-A.
Other names: c.10083-8G>A (NM_016239.3).
Identifiers: ClinVar variation 1191985 (VCV001191985.11), dbSNP rs530491609, ClinGen allele CA8425801.